The following is an entry in ClinVar:

NM_006361.6(HOXB13):c.387C>T (p.Phe129=)

Gene: HOXB13 (homeobox B13; minus strand). Cytogenetic location: 17q21.32.
Variant type: single nucleotide variant.
Coding change: c.387C>T on transcript NM_006361.6 (MANE Select); coding-DNA position 387, C replaced by T.
Protein change: p.Phe129=; no amino-acid change (phenylalanine 129 retained).
Molecular consequence: synonymous variant.
Genome position (GRCh38, 1-based): chr17:48,728,207, G>A on the plus strand (C>T on the coding strand, the complement: HOXB13 is on the minus strand). VCF-style: chr17-48728207-G-A. GRCh37 (hg19) VCF-style: chr17-46805569-G-A.
Identifiers: ClinVar variation 824329 (VCV000824329.14), dbSNP rs1230906460, ClinGen allele CA500661830.
Genomic context (GRCh38, chr17:48,728,207, plus strand): 5'-CACCACAGACACGTCCAGGTAACTGGCCATAGGCTGGTAGGTTCCCGGATATCCCGGATA[G>A]AAGGCAAACTCAGTGGGGCGGCTGGGGTACTCTTCCCCGGCCGTGGGAGTCTCCGCGGGG-3'
Protein context (NP_006352.2, residues 119-139): EYPSRPTEFA[Phe129=]YPGYPGTYQP

ClinVar aggregate classification (germline): Benign/Likely benign. Review status: criteria provided, multiple submitters, no conflicts (2 of 4 stars). 3 submissions from 3 submitters: Benign (1); Likely benign (2). Last evaluated 2025-07-31.

Conditions:
Hereditary cancer-predisposing syndrome. Also called: Neoplastic Syndromes, Hereditary; Tumor predisposition; Hereditary neoplastic syndrome; Hereditary Cancer Syndrome. Identifiers: Orphanet 140162, MedGen C0027672, MeSH D009386, MONDO:0015356.
Prostate cancer, hereditary, 9 (HPC9). Identifiers: Orphanet 1331, MedGen C1970250, MONDO:0012597, OMIM 610997.

Allele frequency attached by ClinVar (database versions not stated): TOPMed below 0.00001; gnomAD 0.00001; gnomAD exomes 0.00002.

Submissions (3):

Labcorp Genetics (formerly Invitae), Labcorp
Classification: Likely benign. Last evaluated: 2025-07-31. Review status: criteria provided, single submitter. Criteria: Invitae Variant Classification Sherloc (09022015). Collection method: clinical testing. Allele origin: germline.

Myriad Genetics, Inc.
Classification: Benign for Prostate cancer, hereditary, 9. Last evaluated: 2024-10-29. Review status: criteria provided, single submitter. Criteria: Myriad Autosomal Dominant, Autosomal Recessive and X-Linked Classification Criteria (2023). Collection method: clinical testing. Allele origin: unknown.
Comment: This variant is considered benign. This variant is a silent/synonymous amino acid change and it is not expected to impact splicing.

Ambry Genetics
Classification: Likely benign for Hereditary cancer-predisposing syndrome. Last evaluated: 2018-12-05. Review status: criteria provided, single submitter. Criteria: Ambry Variant Classification Scheme 2023. Collection method: clinical testing. Allele origin: germline.